The following is an entry in ClinVar:

NM_201384.3(PLEC):c.6465G>A (p.Ala2155=)

Gene: PLEC (plectin; minus strand). Cytogenetic location: 8q24.3.
Variant type: single nucleotide variant.
Coding change: c.6465G>A on transcript NM_201384.3 (MANE Select); coding-DNA position 6465, G replaced by A.
Protein change: p.Ala2155=; no amino-acid change (alanine 2155 retained).
Molecular consequence: synonymous variant.
Genome position (GRCh38, 1-based): chr8:143,923,464, C>T on the plus strand (G>A on the coding strand, the complement: PLEC is on the minus strand). VCF-style: chr8-143923464-C-T. GRCh37 (hg19) VCF-style: chr8-144997632-C-T.
Other names: c.6546G>A, p.Ala2182= (NM_000445.5); c.6423G>A, p.Ala2141= (NM_201378.4); c.6399G>A, p.Ala2133= (NM_201379.3); c.6876G>A, p.Ala2292= (NM_201380.4); c.6369G>A, p.Ala2123= (NM_201381.3); c.6465G>A, p.Ala2155= (NM_201382.4); c.6477G>A, p.Ala2159= (NM_201383.3).
Identifiers: ClinVar variation 745791 (VCV000745791.9), dbSNP rs376957701, ClinGen allele CA4925979.

ClinVar aggregate classification (germline): Likely benign. Review status: criteria provided, multiple submitters, no conflicts (2 of 4 stars). 3 submissions from 3 submitters: Likely benign (3). Last evaluated 2026-04-08.

Conditions:
Epidermolysis bullosa simplex 5B, with muscular dystrophy (EBS5B). Also called: Epidermolysis bullosa simplex with muscular dystrophy; EPIDERMOLYSIS BULLOSA SIMPLEX AND LIMB-GIRDLE MUSCULAR DYSTROPHY. Identifiers: Orphanet 257, MedGen C2931072, MONDO:0009181, OMIM 226670.
Epidermolysis bullosa simplex with nail dystrophy (EBS5D). Identifiers: MedGen C4225309, MONDO:0014661, OMIM 616487.
Autosomal recessive limb-girdle muscular dystrophy type 2Q (LGMDR17). Also called: MUSCULAR DYSTROPHY, LIMB-GIRDLE, AUTOSOMAL RECESSIVE 17. Identifiers: Orphanet 254361, MedGen C3150989, MONDO:0013390, OMIM 613723.
Epidermolysis bullosa simplex 5C, with pyloric atresia (EBS5C). Also called: PLEC-Related Epidermolysis Bullosa with Pyloric Atresia; Epidermolysis bullosa simplex with pyloric atresia; PLEC1-Related Epidermolysis Bullosa with Pyloric Atresia. Identifiers: Orphanet 158684, MedGen C2677349, MONDO:0012807, OMIM 612138.
Epidermolysis bullosa simplex, Ogna type (EBS5A). Also called: Pidermolysis bullosa simplex 5A, Ogna type; EPIDERMOLYSIS BULLOSA SIMPLEX 5A, OGNA TYPE. Identifiers: Orphanet 79401, MedGen C0432317, MONDO:0007555, OMIM 131950.
PLEC-related disorder. Also called: PLEC-related disorders; PLEC-related condition.

Allele frequency attached by ClinVar (database versions not stated): gnomAD 0.00003; TOPMed 0.00006; ESP Exome Variant Server 0.00008; ExAC 0.00009; gnomAD exomes 0.00009.
gnomAD v4.1: 33 of 1,606,442 alleles (0.0021%); highest among the groups gnomAD compares: Admixed American, 0.033%; no homozygotes.

Submissions (3):

PreventionGenetics, part of Exact Sciences
Classification: Likely benign for PLEC-related condition. Last evaluated: 2026-04-08. Review status: criteria provided, single submitter. Criteria: ACMG Guidelines, 2015. Collection method: clinical testing. Allele origin: germline.
Comment: This variant is classified as likely benign based on ACMG/AMP sequence variant interpretation guidelines (Richards et al. 2015 PMID: 25741868, with internal and published modifications).

Labcorp Genetics (formerly Invitae), Labcorp
Classification: Likely benign for Autosomal recessive limb-girdle muscular dystrophy type 2Q; Epidermolysis bullosa simplex, Ogna type; Epidermolysis bullosa simplex with nail dystrophy; Epidermolysis bullosa simplex 5C, with pyloric atresia; Epidermolysis bullosa simplex 5B, with muscular dystrophy. Last evaluated: 2025-10-04. Review status: criteria provided, single submitter. Criteria: Invitae Variant Classification Sherloc (09022015). Collection method: clinical testing. Allele origin: germline.

Blueprint Genetics
Classification: Likely benign. Last evaluated: 2024-08-20. Review status: criteria provided, single submitter. Criteria: ACMG Guidelines, 2015. Collection method: clinical testing. Allele origin: germline.